The following is an entry in ClinVar:

NM_001378454.1(ALMS1):c.8252A>G (p.Asn2751Ser)

Gene: ALMS1 (ALMS1 centrosome and basal body associated protein; plus strand). Cytogenetic location: 2p13.1.
Variant type: single nucleotide variant.
Coding change: c.8252A>G on transcript NM_001378454.1 (MANE Select); coding-DNA position 8252, A replaced by G.
Protein change: p.Asn2751Ser; replaces asparagine 2751 with serine.
Molecular consequence: missense variant.
Genome position (GRCh38, 1-based): chr2:73,490,211, A>G. VCF-style: chr2-73490211-A-G. GRCh37 (hg19) VCF-style: chr2-73717338-A-G.
Other names: c.8255A>G, p.Asn2752Ser (NM_015120.4); short protein forms N2751S, N2752S.
Identifiers: ClinVar variation 2179098 (VCV002179098.3), dbSNP rs1672948366, ClinGen allele CA347267997.

ClinVar aggregate classification (germline): Uncertain significance (1 of 4 stars; one submission).

Conditions:
Alstrom syndrome (ALMS). Identifiers: Orphanet 64, MedGen C0268425, MONDO:0008763, OMIM 203800.

Allele frequency attached by ClinVar (database versions not stated): gnomAD exomes below 0.00001; TOPMed below 0.00001.
gnomAD v4.1: 1 of 1,614,142 alleles (0.000062%); highest among the groups gnomAD compares: African/African-American, 0.0013%; no homozygotes.

Submission:

Labcorp Genetics (formerly Invitae), Labcorp
Classification: Uncertain significance for Alstrom syndrome. Last evaluated: 2023-04-12. Review status: criteria provided, single submitter. Criteria: Invitae Variant Classification Sherloc (09022015). Collection method: clinical testing. Allele origin: germline.
Comment: In summary, the available evidence is currently insufficient to determine the role of this variant in disease. Therefore, it has been classified as a Variant of Uncertain Significance. Experimental studies and prediction algorithms are not available or were not evaluated, and the functional significance of this variant is currently unknown. ClinVar contains an entry for this variant (Variation ID: 2179098). This variant has not been reported in the literature in individuals affected with ALMS1-related conditions. This variant is not present in population databases (gnomAD no frequency). This sequence change replaces asparagine, which is neutral and polar, with serine, which is neutral and polar, at codon 2752 of the ALMS1 protein (p.Asn2752Ser).